The following is an entry in ClinVar:

ClinVar aggregate classification (germline): Conflicting classifications of pathogenicity. Review status: criteria provided, conflicting classifications (1 of 4 stars). 6 submissions from 6 submitters: Uncertain significance (1); Benign (4). 1 of the submissions does not count toward it. Last evaluated 2024-07-02.

Conditions:
Congenital diarrhea. Identifiers: MedGen C6013449, MONDO:0000824.
Diarrhea 15, congenital. Identifiers: MedGen C6012715, MONDO:0976268, OMIM 621179.

Allele frequency attached by ClinVar (database versions not stated): TOPMed 0.00213; 1000 Genomes Project 30x 0.00219; ESP Exome Variant Server 0.00231; 1000 Genomes Project 0.00240; gnomAD 0.00253 and 0.00264; ExAC 0.00291; gnomAD exomes 0.00302 and 0.00316.
gnomAD v4.1: 5,010 of 1,614,146 alleles (0.31%); highest among the groups gnomAD compares: South Asian, 0.58%; 21 homozygotes.

Submissions (6):

Aleixo Muise Laboratory, Hospital For Sick Children
Classification: Uncertain significance for Congenital diarrhea. Last evaluated: 2024-07-02. Review status: criteria provided, single submitter. Criteria: ACMG Guidelines, 2015. Collection method: research. Allele origin: paternal. Affected: yes.

GeneDx
Classification: Benign. Last evaluated: 2018-05-29. Review status: criteria provided, single submitter. Criteria: GeneDx Variant Classification (06012015). Collection method: clinical testing. Allele origin: germline. Affected: yes.
Comment: This variant is considered likely benign or benign based on one or more of the following criteria: it is a conservative change, it occurs at a poorly conserved position in the protein, it is predicted to be benign by multiple in silico algorithms, and/or has population frequency not consistent with disease.

Eurofins Ntd Llc (ga)
Classification: Benign. Last evaluated: 2015-03-20. Review status: criteria provided, single submitter. Criteria: EGL Classification Definitions 2015. Collection method: clinical testing. Allele origin: germline. Observed: 1 variant allele, 1 heterozygote.

Laboratory for Molecular Medicine, Mass General Brigham Personalized Medicine
Classification: Benign. Last evaluated: 2013-06-20. Review status: criteria provided, single submitter. Criteria: LMM Criteria. Collection method: clinical testing. Allele origin: germline. Observed: 4 variant alleles.
Comment: Ile678Phe in exon 19 of MYO1A: This variant is not expected to have clinical sig nificance because it has been identified in 0.3% (27/8573) of European American chromosomes by the NHLBI Exome Sequencing Project (EVS/; dbSNP rs151269703).

Breakthrough Genomics
Classification: Benign. Review status: criteria provided, single submitter. Criteria: ACMG Guidelines, 2015. Collection method: not provided. Allele origin: germline. Inheritance: Unknown mechanism. Affected: yes.

OMIM
Classification: Pathogenic for DIARRHEA 15, CONGENITAL. Last evaluated: 2025-04-16. Review status: no assertion criteria provided. Collection method: literature only. Allele origin: germline. Not counted in ClinVar's aggregate classification.

Literature cited by the submitters: PubMed 40174224 (cited by OMIM).

NM_005379.4(MYO1A):c.2032A>T (p.Ile678Phe)

Gene: MYO1A (myosin IA; minus strand). Cytogenetic location: 12q13.3.
Variant type: single nucleotide variant.
Coding change: c.2032A>T on transcript NM_005379.4 (MANE Select); coding-DNA position 2032, A replaced by T.
Protein change: p.Ile678Phe; replaces isoleucine 678 with phenylalanine.
Molecular consequence: missense variant.
Genome position (GRCh38, 1-based): chr12:57,037,571, T>A on the plus strand (A>T on the coding strand, the complement: MYO1A is on the minus strand). VCF-style: chr12-57037571-T-A. GRCh37 (hg19) VCF-style: chr12-57431355-T-A.
Other names: MYO1A, ILE678PHE (151269703); c.2032A>T, p.Ile678Phe (NM_001256041.2); short protein forms I678F.
Identifiers: ClinVar variation 164588 (VCV000164588.12), dbSNP rs151269703, ClinGen allele CA177301.